The following is an entry in ClinVar:

ClinVar aggregate classification (germline): Uncertain significance. Review status: criteria provided, multiple submitters, no conflicts (2 of 4 stars). 2 submissions from 2 submitters: Uncertain significance (2). Last evaluated 2025-12-30.

Conditions:
INPP5E-related disorder. Also called: INPP5E-related condition.
Joubert syndrome. Also called: Familial aplasia of the vermis; JOUBERT-BOLTSHAUSER SYNDROME. Identifiers: Orphanet 475, MedGen C5979921, MONDO:0018772.

Allele frequency attached by ClinVar (database versions not stated): TOPMed 0.00001; ExAC 0.00003; gnomAD exomes 0.00005.
gnomAD v4.1: 16 of 1,587,048 alleles (0.001%); highest among the groups gnomAD compares: Admixed American, 0.017%; no homozygotes.

Submissions (2):

PreventionGenetics, part of Exact Sciences
Classification: Uncertain significance for INPP5E-related condition. Last evaluated: 2025-12-30. Review status: criteria provided, single submitter. Criteria: ACMG Guidelines, 2015. Collection method: clinical testing. Allele origin: germline.
Comment: The INPP5E c.1051C>T variant is predicted to result in the amino acid substitution p.Arg351Cys. To our knowledge, this variant has not been reported in the literature. This variant is reported in 0.031% of alleles in individuals of Latino descent in gnomAD. At this time, the clinical significance of this variant is uncertain due to the absence of conclusive functional and genetic evidence.

Labcorp Genetics (formerly Invitae), Labcorp
Classification: Uncertain significance for Joubert syndrome. Last evaluated: 2024-02-23. Review status: criteria provided, single submitter. Criteria: Invitae Variant Classification Sherloc (09022015). Collection method: clinical testing. Allele origin: germline.
Comment: This sequence change replaces arginine, which is basic and polar, with cysteine, which is neutral and slightly polar, at codon 351 of the INPP5E protein (p.Arg351Cys). This variant is present in population databases (rs764667114, gnomAD 0.03%). This variant has not been reported in the literature in individuals affected with INPP5E-related conditions. ClinVar contains an entry for this variant (Variation ID: 1357462). Advanced modeling of protein sequence and biophysical properties (such as structural, functional, and spatial information, amino acid conservation, physicochemical variation, residue mobility, and thermodynamic stability) has been performed at Invitae for this missense variant, however the output from this modeling did not meet the statistical confidence thresholds required to predict the impact of this variant on INPP5E protein function. In summary, the available evidence is currently insufficient to determine the role of this variant in disease. Therefore, it has been classified as a Variant of Uncertain Significance.

NM_019892.6(INPP5E):c.1051C>T (p.Arg351Cys)

Gene: INPP5E (inositol polyphosphate-5-phosphatase E; minus strand). Cytogenetic location: 9q34.3.
Variant type: single nucleotide variant.
Coding change: c.1051C>T on transcript NM_019892.6 (MANE Select); coding-DNA position 1051, C replaced by T.
Protein change: p.Arg351Cys; replaces arginine 351 with cysteine.
Molecular consequence: missense variant.
Genome position (GRCh38, 1-based): chr9:136,433,263, G>A on the plus strand (C>T on the coding strand, the complement: INPP5E is on the minus strand). VCF-style: chr9-136433263-G-A. GRCh37 (hg19) VCF-style: chr9-139327715-G-A.
Other names: c.1051C>T, p.Arg351Cys (NM_001318502.2); c.1051C>T (NM_019892.5); short protein forms R351C.
Identifiers: ClinVar variation 1357462 (VCV001357462.9), dbSNP rs764667114, ClinGen allele CA5336962.